The following is an entry in ClinVar:

NM_004370.6(COL12A1):c.6946G>C (p.Val2316Leu)

Gene: COL12A1 (collagen type XII alpha 1 chain; minus strand). Cytogenetic location: 6q13.
Variant type: single nucleotide variant.
Coding change: c.6946G>C on transcript NM_004370.6 (MANE Select); coding-DNA position 6946, G replaced by C.
Protein change: p.Val2316Leu; replaces valine 2316 with leucine.
Molecular consequence: missense variant.
Genome position (GRCh38, 1-based): chr6:75,123,330, C>G on the plus strand (G>C on the coding strand, the complement: COL12A1 is on the minus strand). VCF-style: chr6-75123330-C-G. GRCh37 (hg19) VCF-style: chr6-75833046-C-G.
Other names: c.3454G>C, p.Val1152Leu (NM_080645.3); short protein forms V2316L, V1152L.
Identifiers: ClinVar variation 965831 (VCV000965831.1), dbSNP rs1765839616, ClinGen allele CA364727991.
Genomic context (GRCh38, chr6:75,123,330, plus strand): 5'-TAAATAAGAAGTCTGTAACTCCCTATCAGCTGAACGTATTGCCTATTTAGCTGTACTTAC[C>G]ATCCCGGGCTGGTGGAATGGTGGGAGGGGGAGGAGGTGTGGGTGGCTCTGTAGGGGCTTC-3'
Protein context (NP_004361.3, residues 2306-2326): PPPTIPPARD[Val2316Leu]CKGAKADIVF

ClinVar aggregate classification (germline): Uncertain significance (1 of 4 stars; one submission).

Conditions:
Ullrich congenital muscular dystrophy 2 (UCMD2). Identifiers: Orphanet 75840, MedGen C4225314, MONDO:0014654, OMIM 616470.
Bethlem myopathy 2 (BTHLM2). Identifiers: Orphanet 536516, Orphanet 610, MedGen C4225313, MONDO:0034022, OMIM 616471.

Submission:

Labcorp Genetics (formerly Invitae), Labcorp
Classification: Uncertain significance for Bethlem myopathy 2; Ullrich congenital muscular dystrophy 2. Last evaluated: 2019-10-04. Review status: criteria provided, single submitter. Criteria: Invitae Variant Classification Sherloc (09022015). Collection method: clinical testing. Allele origin: germline.
Comment: This sequence change replaces valine with leucine at codon 2316 of the COL12A1 protein (p.Val2316Leu). The valine residue is highly conserved and there is a small physicochemical difference between valine and leucine. This variant also falls at the last nucleotide of exon 43 of the COL12A1 coding sequence, which is part of the consensus splice site for this exon. This variant is not present in population databases (ExAC no frequency). This variant has not been reported in the literature in individuals with COL12A1-related conditions. Algorithms developed to predict the effect of missense changes on protein structure and function are either unavailable or do not agree on the potential impact of this missense change (SIFT: "Deleterious"; PolyPhen-2: "Probably Damaging"; Align-GVGD: "Class C0"). Nucleotide substitutions within the consensus splice site are a relatively common cause of aberrant splicing (PMID: 17576681, 9536098). In summary, the available evidence is currently insufficient to determine the role of this variant in disease. Therefore, it has been classified as a Variant of Uncertain Significance.